The following is an entry in ClinVar:

ClinVar aggregate classification (germline): Uncertain significance (1 of 4 stars; one submission).

Conditions:
Inborn genetic diseases. Identifiers: MedGen C0950123, MeSH D030342.

Submission:

Ambry Genetics
Classification: Uncertain significance for Inborn genetic diseases. Last evaluated: 2024-07-13. Review status: criteria provided, single submitter. Criteria: Ambry Variant Classification Scheme 2023. Collection method: clinical testing. Allele origin: germline.
Comment: The p.D283Y variant (also known as c.847G>T), located in coding exon 10 of the ERCC2 gene, results from a G to T substitution at nucleotide position 847. The aspartic acid at codon 283 is replaced by tyrosine, an amino acid with highly dissimilar properties. This amino acid position is conserved. In addition, the in silico prediction for this alteration is inconclusive. Based on the available evidence, the clinical significance of this variant remains unclear.

NM_000400.4(ERCC2):c.847G>T (p.Asp283Tyr)

Gene: ERCC2 (ERCC excision repair 2, TFIIH core complex helicase subunit; minus strand). Cytogenetic location: 19q13.32.
Variant type: single nucleotide variant.
Coding change: c.847G>T on transcript NM_000400.4 (MANE Select); coding-DNA position 847, G replaced by T.
Protein change: p.Asp283Tyr; replaces aspartic acid 283 with tyrosine.
Molecular consequence: missense variant.
Genome position (GRCh38, 1-based): chr19:45,364,088, C>A on the plus strand (G>T on the coding strand, the complement: ERCC2 is on the minus strand). VCF-style: chr19-45364088-C-A. GRCh37 (hg19) VCF-style: chr19-45867346-C-A.
Other names: c.775G>T, p.Asp259Tyr (NM_001130867.2); short protein forms D283Y, D259Y.
Identifiers: ClinVar variation 3509805 (VCV003509805.1).